The following is an entry in ClinVar:

ClinVar aggregate classification (germline): Likely pathogenic (1 of 4 stars; one submission).

Conditions:
Cohen syndrome (COH1). Also called: Cutis verticis gyrata, retinitis pigmentosa, and sensorineural deafness; PEPPER SYNDROME. Identifiers: Orphanet 193, MedGen C0265223, MONDO:0008999, OMIM 216550.

Submission:

Labcorp Genetics (formerly Invitae), Labcorp
Classification: Likely pathogenic for Cohen syndrome. Last evaluated: 2020-01-15. Review status: criteria provided, single submitter. Criteria: Invitae Variant Classification Sherloc (09022015). Collection method: clinical testing. Allele origin: germline.
Comment: This variant results in a copy number gain of the genomic region encompassing exon 17 of the VPS13B gene. While the exact position of this variant cannot be determined from this data, sub-genic copy number gains are generally in tandem (PMID: 25640679) and may result in an absent or disrupted protein product. This variant has not been reported in the literature in individuals with VPS13B-related conditions. Loss-of-function variants in VPS13B are known to be pathogenic (PMID: 15141358, 16648375, 20461111). In summary, the currently available evidence indicates that the variant is pathogenic, but additional data are needed to prove that conclusively. Therefore, this variant has been classified as Likely Pathogenic.

NC_000008.11:g.(?_99192876)_(99209768_?)dup

Gene: VPS13B (vacuolar protein sorting 13 homolog B; plus strand). Cytogenetic location: 8q22.2.
Variant type: Duplication.
Identifiers: ClinVar variation 833031 (VCV000833031.1).